The following is an entry in ClinVar:

ClinVar aggregate classification (germline): Benign. Review status: criteria provided, multiple submitters, no conflicts (2 of 4 stars). 8 submissions from 8 submitters: Benign (7). 1 of the submissions does not count toward it. Last evaluated 2026-02-03.

Conditions:
Norman-Roberts syndrome (LIS2). Also called: Lissencephaly 2 (Norman-Roberts type). Identifiers: Orphanet 89844, MedGen C0796089, MONDO:0009760, OMIM 257320.
Familial temporal lobe epilepsy 7. Identifiers: Orphanet 101046, MedGen C4225327, MONDO:0014639, OMIM 616436.
Epilepsy, familial temporal lobe, 1. Identifiers: Orphanet 101046, MedGen CN030884, MONDO:0700090, OMIM 600512.

Allele frequency attached by ClinVar (database versions not stated): gnomAD 0.00372 and 0.00283; 1000 Genomes Project 0.01717; gnomAD exomes 0.00309 and 0.00833; 1000 Genomes Project 30x 0.01546; ESP Exome Variant Server 0.00054; ExAC 0.00747; TOPMed 0.00516.
gnomAD v4.1: 5,039 of 1,613,960 alleles (0.31%); highest among the groups gnomAD compares: East Asian, 7.2%; 154 homozygotes.

Submissions (8):

Labcorp Genetics (formerly Invitae), Labcorp
Classification: Benign for Familial temporal lobe epilepsy 7; Norman-Roberts syndrome. Last evaluated: 2026-02-03. Review status: criteria provided, single submitter. Criteria: Invitae Variant Classification Sherloc (09022015). Collection method: clinical testing. Allele origin: germline.

Fulgent Genetics
Classification: Benign for Norman-Roberts syndrome; Epilepsy, familial temporal lobe, 1; Familial temporal lobe epilepsy 7. Last evaluated: 2021-09-15. Review status: criteria provided, single submitter. Criteria: ACMG Guidelines, 2015. Collection method: clinical testing. Allele origin: unknown.

Mayo Clinic Laboratories, Mayo Clinic
Classification: Benign. Last evaluated: 2019-04-09. Review status: criteria provided, single submitter. Criteria: ACMG Guidelines, 2015. Collection method: clinical testing. Allele origin: germline. Observed: 11 variant alleles.

Illumina Laboratory Services, Illumina
Classification: Benign for Norman-Roberts syndrome. Last evaluated: 2018-01-13. Review status: criteria provided, single submitter. Criteria: ICSL Variant Classification Criteria 13 December 2019. Collection method: clinical testing. Allele origin: germline.
Comment: This variant was observed in the ICSL laboratory as part of a predisposition screen in an ostensibly healthy population. It had not been previously curated by ICSL or reported in the Human Gene Mutation Database (HGMD: prior to June 1st, 2018), and was therefore a candidate for classification through an automated scoring system. Utilizing variant allele frequency, disease prevalence and penetrance estimates, and inheritance mode, an automated score was calculated to assess if this variant is too frequent to cause the disease. Based on the score and internal cut-off values, a variant classified as benign is not then subjected to further curation. The score for this variant resulted in a classification of benign for this disease.

GeneDx
Classification: Benign. Last evaluated: 2016-03-30. Review status: criteria provided, single submitter. Criteria: GeneDx Variant Classification (06012015). Collection method: clinical testing. Allele origin: germline. Affected: yes.
Comment: This variant is considered likely benign or benign based on one or more of the following criteria: it is a conservative change, it occurs at a poorly conserved position in the protein, it is predicted to be benign by multiple in silico algorithms, and/or has population frequency not consistent with disease.

Eurofins Ntd Llc (ga)
Classification: Benign. Last evaluated: 2015-03-26. Review status: criteria provided, single submitter. Criteria: EGL Classification Definitions 2015. Collection method: clinical testing. Allele origin: germline. Observed: 2 variant alleles, 2 heterozygotes.

Breakthrough Genomics
Classification: Benign. Review status: criteria provided, single submitter. Criteria: ACMG Guidelines, 2015. Collection method: not provided. Allele origin: germline. Inheritance: Autosomal recessive inheritance. Affected: yes.

Genetic Services Laboratory, University of Chicago
Classification: Likely benign for AllHighlyPenetrant. Review status: no assertion criteria provided. Collection method: clinical testing. Allele origin: germline. Inheritance: Autosomal recessive inheritance. Not counted in ClinVar's aggregate classification.
Comment: Likely benign based on allele frequency in 1000 Genomes Project or ESP global frequency and its presence in a patient with a rare or unrelated disease phenotype. NOT Sanger confirmed.

NM_005045.4(RELN):c.416C>G (p.Thr139Ser)

Gene: RELN (reelin; minus strand). Cytogenetic location: 7q22.1.
Variant type: single nucleotide variant.
Coding change: c.416C>G on transcript NM_005045.4 (MANE Select); coding-DNA position 416, C replaced by G.
Protein change: p.Thr139Ser; replaces threonine 139 with serine.
Molecular consequence: missense variant.
Genome position (GRCh38, 1-based): chr7:103,833,594, G>C on the plus strand (C>G on the coding strand, the complement: RELN is on the minus strand). VCF-style: chr7-103833594-G-C. GRCh37 (hg19) VCF-style: chr7-103474041-G-C.
Other names: c.416C>G, p.Thr139Ser (NM_173054.3); short protein forms T139S.
Identifiers: ClinVar variation 130121 (VCV000130121.25), dbSNP rs79471015, ClinGen allele CA154916.